The following is an entry in ClinVar:

ClinVar aggregate classification (germline): Uncertain significance. Review status: criteria provided, single submitter (1 of 4 stars). 2 submissions from 2 submitters: Uncertain significance (1). 1 of the submissions does not count toward it. Last evaluated 2023-12-21.

Conditions:
Tuberous sclerosis syndrome (TSC). Also called: Tuberous Sclerosis Complex; Tuberous sclerosis. Identifiers: Orphanet 805, MedGen C0041341, MONDO:0001734.
Tuberous sclerosis 2 (TSC2). Identifiers: Orphanet 805, MedGen C1860707, MONDO:0013199, OMIM 613254.

Submissions (2):

Labcorp Genetics (formerly Invitae), Labcorp
Classification: Uncertain significance for Tuberous sclerosis 2. Last evaluated: 2023-12-21. Review status: criteria provided, single submitter. Criteria: Invitae Variant Classification Sherloc (09022015). Collection method: clinical testing. Allele origin: germline.
Comment: This sequence change replaces aspartic acid, which is acidic and polar, with valine, which is neutral and non-polar, at codon 1535 of the TSC2 protein (p.Asp1535Val). This variant is not present in population databases (gnomAD no frequency). This variant has not been reported in the literature in individuals affected with TSC2-related conditions. ClinVar contains an entry for this variant (Variation ID: 65305). Advanced modeling of protein sequence and biophysical properties (such as structural, functional, and spatial information, amino acid conservation, physicochemical variation, residue mobility, and thermodynamic stability) performed at Invitae indicates that this missense variant is expected to disrupt TSC2 protein function with a positive predictive value of 95%. In summary, the available evidence is currently insufficient to determine the role of this variant in disease. Therefore, it has been classified as a Variant of Uncertain Significance.

Tuberous sclerosis database (TSC2)
No classification provided. Condition: TSC. Review status: no classification provided. Criteria: Tuberous Sclerosis Database Assertion Criteria 2015. Collection method: curation. Allele origin: germline. Affected: yes. Not counted in ClinVar's aggregate classification.

NM_000548.5(TSC2):c.4604A>T (p.Asp1535Val)

Gene: TSC2 (TSC complex subunit 2; plus strand). Cytogenetic location: 16p13.3.
Variant type: single nucleotide variant.
Coding change: c.4604A>T on transcript NM_000548.5 (MANE Select); coding-DNA position 4604, A replaced by T.
Protein change: p.Asp1535Val; replaces aspartic acid 1535 with valine.
Molecular consequence: missense variant.
Genome position (GRCh38, 1-based): chr16:2,085,264, A>T. VCF-style: chr16-2085264-A-T. GRCh37 (hg19) VCF-style: chr16-2135265-A-T.
Other names: c.4403A>T, p.Asp1468Val (NM_001077183.3); c.4535A>T, p.Asp1512Val (NM_001114382.3); c.4295A>T, p.Asp1432Val (NM_001318827.2); c.4259A>T, p.Asp1420Val (NM_001318829.2); c.3872A>T, p.Asp1291Val (NM_001318831.2); c.4436A>T, p.Asp1479Val (NM_001318832.2); c.4406A>T, p.Asp1469Val (NM_001363528.2); c.4472A>T, p.Asp1491Val (NM_001370404.1); and 1 more; short protein forms D1535V, D1512V, D1479V, D1491V, D1291V, D1420V, D1432V, D1468V.
Identifiers: ClinVar variation 65305 (VCV000065305.6), dbSNP rs397515160, ClinGen allele CA020759.